The following is an entry in ClinVar:

ClinVar aggregate classification (germline): Uncertain significance (1 of 4 stars; one submission).

Conditions:
Hereditary cancer-predisposing syndrome. Also called: Neoplastic Syndromes, Hereditary; Tumor predisposition; Hereditary Cancer Syndrome; Hereditary neoplastic syndrome. Identifiers: Orphanet 140162, MedGen C0027672, MeSH D009386, MONDO:0015356.

Submission:

Color Diagnostics, LLC DBA Color Health
Classification: Uncertain significance for Hereditary cancer-predisposing syndrome. Last evaluated: 2024-06-12. Review status: criteria provided, single submitter. Criteria: ACMG Guidelines, 2015. Collection method: clinical testing. Allele origin: germline.
Comment: This missense variant replaces serine with alanine at codon 1315 of the APC protein. Computational prediction suggests that this variant may not impact protein structure and function (internally defined REVEL score threshold <= 0.5, PMID: 27666373). To our knowledge, functional studies have not been reported for this variant. This variant has not been reported in individuals affected with APC-related disorders in the literature. This variant has not been identified in the general population by the Genome Aggregation Database (gnomAD). The available evidence is insufficient to determine the role of this variant in disease conclusively. Therefore, this variant is classified as a Variant of Uncertain Significance.

NM_000038.6(APC):c.3943T>G (p.Ser1315Ala)

Gene: APC (APC regulator of Wnt signaling pathway; plus strand). Cytogenetic location: 5q22.2.
Variant type: single nucleotide variant.
Coding change: c.3943T>G on transcript NM_000038.6 (MANE Select); coding-DNA position 3943, T replaced by G.
Protein change: p.Ser1315Ala; replaces serine 1315 with alanine.
Molecular consequence: missense variant. On other transcripts: non-coding transcript variant (2).
Genome position (GRCh38, 1-based): chr5:112,839,537, T>G. VCF-style: chr5-112839537-T-G. GRCh37 (hg19) VCF-style: chr5-112175234-T-G.
Other names: c.3943T>G, p.Ser1315Ala (NM_001127510.3, NM_001354895.2, NM_001407450.1); c.3889T>G, p.Ser1297Ala (NM_001127511.3); c.3997T>G, p.Ser1333Ala (NM_001354896.2, NM_001407447.1, NM_001407448.1 and 1 more transcripts); c.3973T>G, p.Ser1325Ala (NM_001354897.2); c.3868T>G, p.Ser1290Ala (NM_001354898.2); c.3859T>G, p.Ser1287Ala (NM_001354899.2); c.3820T>G, p.Ser1274Ala (NM_001354900.2); c.3766T>G, p.Ser1256Ala (NM_001354901.2, NM_001407453.1); and 11 more; short protein forms S1032A, S1155A, S1186A, S1189A, S1214A, S1224A, S1232A, S1256A.
Identifiers: ClinVar variation 3893970 (VCV003893970.1).